The following is an entry in ClinVar:

NM_198994.3(TGM6):c.1477C>T (p.Pro493Ser)

Gene: TGM6 (transglutaminase 6; plus strand). Cytogenetic location: 20p13.
Variant type: single nucleotide variant.
Coding change: c.1477C>T on transcript NM_198994.3 (MANE Select); coding-DNA position 1477, C replaced by T.
Protein change: p.Pro493Ser; replaces proline 493 with serine.
Molecular consequence: missense variant.
Genome position (GRCh38, 1-based): chr20:2,417,372, C>T. VCF-style: chr20-2417372-C-T. GRCh37 (hg19) VCF-style: chr20-2398018-C-T.
Other names: c.1477C>T, p.Pro493Ser (NM_001254734.2); short protein forms P493S.
Identifiers: ClinVar variation 3777381 (VCV003777381.2).
Genomic context (GRCh38, chr20:2,417,372, plus strand): 5'-ATCCGCAGGGCTGGGGGTCGCTGTCTCTGGCGTGACGACCTCCTGGAGCCTGCCACCAAG[C>T]CCAGCATCGCTGGCAAGTTCAAGGTGCTAGAGCCTCCCATGCTGGGCCACGACCTGAGAC-3'
Protein context (NP_945345.2, residues 483-503): RDDLLEPATK[Pro493Ser]SIAGKFKVLE

ClinVar aggregate classification (germline): Uncertain significance. Review status: criteria provided, multiple submitters, no conflicts (2 of 4 stars). 2 submissions from 2 submitters: Uncertain significance (2). Last evaluated 2024-12-30.

gnomAD v4.1: 1 of 1,613,480 alleles (0.000062%); highest among the groups gnomAD compares: Non-Finnish European, 0.000085%; no homozygotes.

Submissions (2):

Athena Diagnostics
Classification: Uncertain significance. Last evaluated: 2024-12-30. Review status: criteria provided, single submitter. Criteria: Athena Diagnostics Criteria. Collection method: clinical testing. Allele origin: unknown.
Comment: Available data are insufficient to determine the clinical significance of the variant at this time. This variant has not been reported in large, multi-ethnic general populations. Polyphen and MutationTaster yielded discordant predictions regarding whether this amino acid change is damaging to the protein.

GeneDx
Classification: Uncertain significance. Last evaluated: 2024-10-14. Review status: criteria provided, single submitter. Criteria: GeneDx Variant Classification Process June 2021. Collection method: clinical testing. Allele origin: germline. Affected: yes.
Comment: Not observed at significant frequency in large population cohorts (gnomAD); In silico analysis supports that this missense variant has a deleterious effect on protein structure/function; Has not been previously published as pathogenic or benign to our knowledge